The following is an entry in ClinVar:

ClinVar aggregate classification (germline): Uncertain significance. Review status: criteria provided, multiple submitters, no conflicts (2 of 4 stars). 3 submissions from 3 submitters: Uncertain significance (2). 1 of the submissions does not count toward it. Last evaluated 2025-11-26.

Conditions:
MYH3-related disorder. Also called: MYH3-Related Disorders; MYH3-related condition. Identifiers: MedGen CN239329.

Allele frequency attached by ClinVar (database versions not stated): gnomAD exomes 0.00004; TOPMed 0.00005; gnomAD 0.00007; ExAC 0.00006.
gnomAD v4.1: 71 of 1,613,750 alleles (0.0044%); highest among the groups gnomAD compares: Middle Eastern, 0.016%; no homozygotes.

Submissions (3):

Women's Health and Genetics/Laboratory Corporation of America, LabCorp
Classification: Uncertain significance. Last evaluated: 2025-11-26. Review status: criteria provided, single submitter. Criteria: LabCorp Variant Classification Summary - May 2015. Collection method: clinical testing. Allele origin: germline.
Comment: Variant summary: MYH3 c.1002C>T (p.Asp334Asp) alters a conserved nucleotide located close to a canonical splice site and therefore could affect mRNA splicing, leading to a significantly altered protein sequence. Consensus agreement among computation tools predict no significant impact on normal splicing. However, these predictions have yet to be confirmed by functional studies. The variant allele was found at a frequency of 7.6e-05 in 251284 control chromosomes. This frequency is not significantly higher than estimated for disease-causing variants in MYH3, allowing no conclusion about variant significance. c.1002C>T has been observed in one individual affected with autism as a de novo variant. These report(s) do not provide unequivocal conclusions about association of the variant with MYH3-Related Disorders. To our knowledge, no experimental evidence demonstrating an impact on protein function has been reported. The following publication have been ascertained in the context of this evaluation (PMID: 35982159). ClinVar contains an entry for this variant (Variation ID: 2032160). Based on the evidence outlined above, the variant was classified as uncertain significance.

Labcorp Genetics (formerly Invitae), Labcorp
Classification: Uncertain significance. Last evaluated: 2025-11-10. Review status: criteria provided, single submitter. Criteria: Invitae Variant Classification Sherloc (09022015). Collection method: clinical testing. Allele origin: germline.
Comment: This sequence change affects codon 334 of the MYH3 mRNA. It is a 'silent' change, meaning that it does not change the encoded amino acid sequence of the MYH3 protein. It affects a nucleotide within the consensus splice site. This variant is present in population databases (rs764425505, gnomAD 0.06%). This variant has not been reported in the literature in individuals affected with MYH3-related conditions. ClinVar contains an entry for this variant (Variation ID: 2032160). Algorithms developed to predict the effect of sequence changes on RNA splicing suggest that this variant is not likely to affect RNA splicing. In summary, the available evidence is currently insufficient to determine the role of this variant in disease. Therefore, it has been classified as a Variant of Uncertain Significance.

PreventionGenetics, part of Exact Sciences
Classification: Likely benign for MYH3-related condition. Last evaluated: 2022-06-09. Review status: no assertion criteria provided. Collection method: clinical testing. Allele origin: germline. Not counted in ClinVar's aggregate classification.
Comment: This variant is classified as likely benign based on ACMG/AMP sequence variant interpretation guidelines (Richards et al. 2015 PMID: 25741868, with internal and published modifications).

Literature cited by the submitters: PubMed 35982159 (cited by Women's Health and Genetics/Laboratory Corporation of America, LabCorp).

NM_002470.4(MYH3):c.1002C>T (p.Asp334=)

Gene: MYH3 (myosin heavy chain 3; minus strand). Cytogenetic location: 17p13.1.
Variant type: single nucleotide variant.
Coding change: c.1002C>T on transcript NM_002470.4 (MANE Select); coding-DNA position 1002, C replaced by T.
Protein change: p.Asp334=; no amino-acid change (aspartic acid 334 retained).
Molecular consequence: synonymous variant.
Genome position (GRCh38, 1-based): chr17:10,645,929, G>A on the plus strand (C>T on the coding strand, the complement: MYH3 is on the minus strand). VCF-style: chr17-10645929-G-A. GRCh37 (hg19) VCF-style: chr17-10549246-G-A.
Other names: c.1002C>T (NM_002470.3).
Identifiers: ClinVar variation 2032160 (VCV002032160.7), dbSNP rs764425505, ClinGen allele CA8393117.